The following is an entry in ClinVar:

ClinVar aggregate classification (germline): Uncertain significance (1 of 4 stars; one submission).

Conditions:
ALPL-related disorder. Also called: ALPL-related disorders; ALPL-related condition.

Submission:

PreventionGenetics, part of Exact Sciences
Classification: Uncertain significance for ALPL-related condition. Last evaluated: 2022-11-18. Review status: criteria provided, single submitter. Criteria: ACMG Guidelines, 2015. Collection method: clinical testing. Allele origin: germline.
Comment: The ALPL c.1442C>T variant is predicted to result in the amino acid substitution p.Pro481Leu. To our knowledge, this variant has not been reported in the literature or in a large population database, indicating this variant is rare. At this time, the clinical significance of this variant is uncertain due to the absence of conclusive functional and genetic evidence.

NM_000478.6(ALPL):c.1442C>T (p.Pro481Leu)

Gene: ALPL (alkaline phosphatase, biomineralization associated; plus strand). Cytogenetic location: 1p36.12.
Variant type: single nucleotide variant.
Coding change: c.1442C>T on transcript NM_000478.6 (MANE Select); coding-DNA position 1442, C replaced by T.
Protein change: p.Pro481Leu; replaces proline 481 with leucine.
Molecular consequence: missense variant.
Genome position (GRCh38, 1-based): chr1:21,577,515, C>T. VCF-style: chr1-21577515-C-T. GRCh37 (hg19) VCF-style: chr1-21904008-C-T.
Other names: c.1277C>T, p.Pro426Leu (NM_001127501.4); c.1211C>T, p.Pro404Leu (NM_001177520.3); c.1442C>T, p.Pro481Leu (NM_001369803.2, NM_001369804.2, NM_001369805.2); short protein forms P404L, P426L, P481L.
Identifiers: ClinVar variation 2635128 (VCV002635128.1), dbSNP rs2545351199, ClinGen allele CA338882218.